The following is an entry in ClinVar:

ClinVar aggregate classification (germline): Uncertain significance. Review status: criteria provided, multiple submitters, no conflicts (2 of 4 stars). 7 submissions from 7 submitters: Uncertain significance (6). 1 of the submissions does not count toward it. Last evaluated 2026-02-01.

Conditions:
Hereditary cancer-predisposing syndrome. Also called: Neoplastic Syndromes, Hereditary; Hereditary neoplastic syndrome; Tumor predisposition; Hereditary Cancer Syndrome. Identifiers: Orphanet 140162, MedGen C0027672, MeSH D009386, MONDO:0015356.
Ataxia-telangiectasia syndrome (AT). Also called: Ataxia telangiectasia (A-T); Cerebello-oculocutaneous telangiectasia; Immunodeficiency with ataxia telangiectasia; LOUIS-BAR SYNDROME; AT, COMPLEMENTATION GROUP C; ATAXIA-TELANGIECTASIA, FRESNO VARIANT. Identifiers: Orphanet 100, MedGen C0004135, MONDO:0008840, OMIM 208900.
Hereditary breast ovarian cancer syndrome. Also called: BRCA1- and BRCA2-Associated Hereditary Breast and Ovarian Cancer; Hereditary breast and/or ovarian cancer syndrome; Hereditary breast and ovarian cancer syndrome (HBOC); Hereditary breast and ovarian cancer syndrome; Hereditary breast and ovarian cancer; Breast and ovarian cancer. Identifiers: Orphanet 145, MedGen C0677776, MeSH D061325, MONDO:0003582. Disease mechanism: loss of function.

Allele frequency attached by ClinVar (database versions not stated): gnomAD exomes below 0.00001; ExAC 0.00001.

Submissions (7):

Women's Health and Genetics/Laboratory Corporation of America, LabCorp
Classification: Uncertain significance. Last evaluated: 2026-02-01. Review status: criteria provided, single submitter. Criteria: LabCorp Variant Classification Summary - May 2015. Collection method: clinical testing. Allele origin: germline.

German Consortium for Hereditary Breast and Ovarian Cancer, University Hospital Cologne
Classification: Uncertain significance for Hereditary breast ovarian cancer syndrome. Last evaluated: 2025-01-14. Review status: criteria provided, single submitter. Criteria: ClinGen ATM V1.3.0. Collection method: curation. Allele origin: germline.
Comment: According to the ClinGen ACMG ATM v1.3.0 criteria we chose these criteria: PM2 (supporting pathogenic): absent from gnmAD v4.1.0; gnomAD v2.1.1: AF = 0.000004025 (thus ≤0,001%), PP3 (supporting pathogenic): SpliceAI shows impact on splicing (donor loss 0.26)

Blueprint Genetics
Classification: Uncertain significance. Last evaluated: 2022-12-05. Review status: criteria provided, single submitter. Criteria: ACMG Guidelines, 2015. Collection method: clinical testing. Allele origin: germline.

Labcorp Genetics (formerly Invitae), Labcorp
Classification: Uncertain significance for Ataxia-telangiectasia syndrome. Last evaluated: 2021-09-26. Review status: criteria provided, single submitter. Criteria: Invitae Variant Classification Sherloc (09022015). Collection method: clinical testing. Allele origin: germline.
Comment: This sequence change falls in intron 51 of the ATM gene. It does not directly change the encoded amino acid sequence of the ATM protein, but it affects a nucleotide within the consensus splice site of the intron. This variant is present in population databases (rs752251778, ExAC 0.002%). This variant has not been reported in the literature in individuals with ATM-related conditions. ClinVar contains an entry for this variant (Variation ID: 233474). Nucleotide substitutions within the consensus splice site are a relatively common cause of aberrant splicing (PMID: 17576681, 9536098). Algorithms developed to predict the effect of sequence changes on RNA splicing suggest that this variant may disrupt the consensus splice site, but this prediction has not been confirmed by published transcriptional studies. In summary, the available evidence is currently insufficient to determine the role of this variant in disease. Therefore, it has been classified as a Variant of Uncertain Significance.

Ambry Genetics
Classification: Uncertain significance for Hereditary cancer-predisposing syndrome. Last evaluated: 2021-08-17. Review status: criteria provided, single submitter. Criteria: Ambry Variant Classification Scheme 2023. Collection method: clinical testing. Allele origin: germline.
Comment: The c.7629+3A>C intronic variant results from an A to C substitution 3 nucleotides after coding exon 50 in the ATM gene. This nucleotide position is well conserved in available vertebrate species. In silico splice site analysis for this alteration is inconclusive. Since supporting evidence is limited at this time, the clinical significance of this alteration remains unclear.

Color Diagnostics, LLC DBA Color Health
Classification: Uncertain significance for Hereditary cancer-predisposing syndrome. Last evaluated: 2018-09-11. Review status: criteria provided, single submitter. Criteria: ACMG Guidelines, 2015. Collection method: clinical testing. Allele origin: germline.

Natera, Inc.
Classification: Uncertain significance for Ataxia-telangiectasia. Last evaluated: 2021-05-17. Review status: no assertion criteria provided. Collection method: clinical testing. Allele origin: germline. Not counted in ClinVar's aggregate classification.

Literature cited by the submitters: PubMed 17576681 (cited by Labcorp Genetics (formerly Invitae), Labcorp); PubMed 9536098 (cited by Labcorp Genetics (formerly Invitae), Labcorp).

NM_000051.4(ATM):c.7629+3A>C

Genes: ATM (ATM serine/threonine kinase; plus strand), C11orf65 (chromosome 11 open reading frame 65; minus strand). Cytogenetic location: 11q22.3.
Variant type: single nucleotide variant.
Coding change: c.7629+3A>C on transcript NM_000051.4 (MANE Select); 3 bases into the intron after coding-DNA position 7629, A replaced by C.
Molecular consequence: intron variant. On other transcripts: non-coding transcript variant (1).
Genome position (GRCh38, 1-based): chr11:108,331,560, A>C. VCF-style: chr11-108331560-A-C. GRCh37 (hg19) VCF-style: chr11-108202287-A-C.
Other names: c.7629+3A>C (NM_001351834.2); c.641-22489T>G (NM_001330368.2); c.*38+3660T>G (NM_001351110.2).
Identifiers: ClinVar variation 233474 (VCV000233474.27), dbSNP rs752251778, ClinGen allele CA6266147.